The following is an entry in ClinVar:

ClinVar aggregate classification (germline): Pathogenic (1 of 4 stars; one submission).

Conditions:
Nemaline myopathy 2 (NEM2). Also called: Nemaline myopathy 2, autosomal recessive. Identifiers: MedGen C1850569, MONDO:0009725, OMIM 256030.

Submission:

Labcorp Genetics (formerly Invitae), Labcorp
Classification: Pathogenic for Nemaline myopathy 2. Last evaluated: 2021-07-18. Review status: criteria provided, single submitter. Criteria: Invitae Variant Classification Sherloc (09022015). Collection method: clinical testing. Allele origin: germline.
Comment: This sequence change creates a premature translational stop signal (p.Gln4502*) in the NEB gene. It is expected to result in an absent or disrupted protein product. Loss-of-function variants in NEB are known to be pathogenic (PMID: 25205138). The frequency data for this variant in the population databases (ExAC) is considered unreliable due to the presence of homologous sequence, such as pseudogenes or paralogs, in the genome. This variant has not been reported in the literature in individuals affected with NEB-related conditions. For these reasons, this variant has been classified as Pathogenic. This variant occurs in a region of NEB (Exons 82-105) consisting of three highly homologous 8-exon repeat units (exons 82-89, exons 90-97, exons 98-105). Sequence variants in this region can be detected, but this assay cannot determine which of the three repeat units is affected, and zygosity is often ambiguous. All variants in this region are reported relative to the exon 82-89 repeat.

Literature cited by the submitters: PubMed 25205138.

NM_001164508.2(NEB):c.13504C>T (p.Gln4502Ter)

Gene: NEB (nebulin; minus strand). Cytogenetic location: 2q23.3.
Variant type: single nucleotide variant.
Coding change: c.13504C>T on transcript NM_001164508.2 (MANE Select); coding-DNA position 13504, C replaced by T.
Protein change: p.Gln4502Ter; replaces glutamine 4502 with a stop codon.
Molecular consequence: nonsense. On other transcripts: intron variant (1).
Genome position (GRCh38, 1-based): chr2:151,600,726, G>A on the plus strand (C>T on the coding strand, the complement: NEB is on the minus strand). VCF-style: chr2-151600726-G-A. GRCh37 (hg19) VCF-style: chr2-152457240-G-A.
Other names: c.13504C>T, p.Gln4502Ter (NM_001164507.2, NM_001271208.2); c.11601+9083C>T (NM_004543.5); short protein forms Q4502*.
Identifiers: ClinVar variation 1452505 (VCV001452505.6), dbSNP rs2153903589, ClinGen allele CA348769172.